The following is an entry in ClinVar:

ClinVar aggregate classification (germline): Likely pathogenic (1 of 4 stars; one submission).

Conditions:
Hereditary breast ovarian cancer syndrome. Also called: Hereditary breast and/or ovarian cancer syndrome; BRCA1- and BRCA2-Associated Hereditary Breast and Ovarian Cancer; Breast and ovarian cancer; Hereditary breast and ovarian cancer; Hereditary breast and ovarian cancer syndrome; Hereditary breast and ovarian cancer syndrome (HBOC). Identifiers: Orphanet 145, MedGen C0677776, MeSH D061325, MONDO:0003582. Disease mechanism: loss of function.

Submission:

Women's Health and Genetics/Laboratory Corporation of America, LabCorp
Classification: Likely pathogenic for Hereditary breast ovarian cancer syndrome. Last evaluated: 2016-08-04. Review status: criteria provided, single submitter. Criteria: LabCorp Variant Classification Summary - May 2015. Collection method: clinical testing. Allele origin: germline.
Comment: Variant summary: The BRCA2 c.2989_2990delTT (p.Leu997Argfs) variant results in a premature termination codon, predicted to cause a truncated or absent BRCA2 protein due to nonsense mediated decay, which are commonly known mechanisms for disease. One in silico tool predicts a damaging outcome for this variant. This variant is absent in 120326 control chromosomes. The variant of interest has not, to our knowledge, been reported in affected individuals via publications and/or reputable databases/clinical diagnostic laboratories; nor evaluated for functional impact by in vivo/vitro studies. Truncations downstream of this position have been classified as pathogenic by our laboratory (e.g. p.Gln1056X, p.Lys1057fs) suggesting a deleterious impact. Taken together, this variant is classified as likely pathogenic.

NM_000059.4(BRCA2):c.2989_2990del (p.Leu997fs)

Gene: BRCA2 (BRCA2 DNA repair associated; plus strand). Cytogenetic location: 13q13.1.
Variant type: Deletion.
Coding change: c.2989_2990del on transcript NM_000059.4 (MANE Select); coding-DNA positions 2989 to 2990, 2 bases deleted (TT; older notation c.2989_2990delTT).
Protein change: p.Leu997fs; shifts the reading frame from leucine 997.
Molecular consequence: frameshift variant.
Genome position (GRCh38, 1-based): chr13:32,337,344-32,337,345, TT deleted. VCF-style (leftmost placement, unchanged base first): chr13-32337343-CTT-C. GRCh37 (hg19) VCF-style: chr13-32911480-CTT-C.
Other names: c.2989_2990delTT (NM_000059.3); short protein forms L997fs.
Identifiers: ClinVar variation 495448 (VCV000495448.1), dbSNP rs1555282990, ClinGen allele CA658683853.